The following is an entry in ClinVar:

ClinVar aggregate classification (germline): Uncertain significance (1 of 4 stars; one submission).

Conditions:
Brown-Vialetto-van Laere syndrome 1. Also called: BROWN-VIALETTO-VAN LAERE SYNDROME 1, MILD; BULBAR PALSY, PROGRESSIVE, WITH SENSORINEURAL DEAFNESS; PONTOBULBAR PALSY WITH DEAFNESS. Identifiers: Orphanet 572550, Orphanet 97229, MedGen C0796274, MONDO:0024537, OMIM 211530.

Submission:

Labcorp Genetics (formerly Invitae), Labcorp
Classification: Uncertain significance for Brown-Vialetto-van Laere syndrome 1. Last evaluated: 2018-08-03. Review status: criteria provided, single submitter. Criteria: Invitae Variant Classification Sherloc (09022015). Collection method: clinical testing. Allele origin: germline.
Comment: This sequence change disrupts the translational stop signal of the SLC52A3 mRNA. It is expected to extend the SLC52A3 protein by an additional 8 amino acid residues. This variant is not present in population databases (ExAC no frequency). This variant has not been reported in the literature in individuals with SLC52A3-related disease. In summary, the available evidence is currently insufficient to determine the role of this variant in disease. Therefore, it has been classified as a Variant of Uncertain Significance.

NM_033409.4(SLC52A3):c.1403_1404insTGCCTTCTGCAATCTGCACTGTCC (p.Phe462_Ala469dup)

Gene: SLC52A3 (solute carrier family 52 member 3; minus strand). Cytogenetic location: 20p13.
Variant type: Insertion.
Coding change: c.1403_1404insTGCCTTCTGCAATCTGCACTGTCC on transcript NM_033409.4 (MANE Select); coding-DNA positions 1403 to 1404, TGCCTTCTGCAATCTGCACTGTCC inserted.
Protein change: p.Phe462_Ala469dup.
Molecular consequence: inframe insertion.
Genome position: GRCh38 VCF-style: chr20-761032-T-TGGACAGTGCAGATTGCAGAAGGCA. GRCh37 (hg19) VCF-style: chr20-741676-T-TGGACAGTGCAGATTGCAGAAGGCA.
Other names: c.1403_1404insTGCCTTCTGCAATCTGCACTGTCC, p.Phe462_Ala469dup (NM_001370085.1, NM_001370086.1).
Identifiers: ClinVar variation 651312 (VCV000651312.6), dbSNP rs1599955591, ClinGen allele CA915952285.